The following is an entry in ClinVar:

NM_001987.5(ETV6):c.488G>T (p.Arg163Met)

Gene: ETV6 (ETS variant transcription factor 6; plus strand). Cytogenetic location: 12p13.2.
Variant type: single nucleotide variant.
Coding change: c.488G>T on transcript NM_001987.5 (MANE Select); coding-DNA position 488, G replaced by T.
Protein change: p.Arg163Met; replaces arginine 163 with methionine.
Molecular consequence: missense variant.
Genome position (GRCh38, 1-based): chr12:11,869,448, G>T. VCF-style: chr12-11869448-G-T. GRCh37 (hg19) VCF-style: chr12-12022382-G-T.
Other names: c.485G>T, p.Arg162Met (NM_001413913.1); c.461G>T, p.Arg154Met (NM_001413914.1); c.224G>T, p.Arg75Met (NM_001413915.1); c.488G>T, p.Arg163Met (NM_001413916.1, NM_001413917.1); short protein forms R162M, R154M, R163M, R75M.
Identifiers: ClinVar variation 2880023 (VCV002880023.4), dbSNP rs1342658587, ClinGen allele CA384043333.

ClinVar aggregate classification (germline): Uncertain significance. Review status: criteria provided, multiple submitters, no conflicts (2 of 4 stars). 2 submissions from 2 submitters: Uncertain significance (2). Last evaluated 2025-07-19.

Conditions:
Inborn genetic diseases. Identifiers: MedGen C0950123, MeSH D030342.

Allele frequency attached by ClinVar (database versions not stated): gnomAD exomes below 0.00001; gnomAD 0.00001; TOPMed 0.00001.
gnomAD v4.1: 6 of 1,612,614 alleles (0.00037%); highest among the groups gnomAD compares: Non-Finnish European, 0.00051%; no homozygotes.

Submissions (2):

Ambry Genetics
Classification: Uncertain significance for Inborn genetic diseases. Last evaluated: 2025-07-19. Review status: criteria provided, single submitter. Criteria: Ambry Variant Classification Scheme 2023. Collection method: clinical testing. Allele origin: germline.
Comment: The p.R163M variant (also known as c.488G>T), located in coding exon 5 of the ETV6 gene, results from a G to T substitution at nucleotide position 488. The arginine at codon 163 is replaced by methionine, an amino acid with similar properties. This amino acid position is conserved. In addition, this alteration is predicted to be tolerated by in silico analysis. Based on the available evidence, the clinical significance of this variant remains unclear.

Labcorp Genetics (formerly Invitae), Labcorp
Classification: Uncertain significance. Last evaluated: 2023-07-16. Review status: criteria provided, single submitter. Criteria: Invitae Variant Classification Sherloc (09022015). Collection method: clinical testing. Allele origin: germline.
Comment: This variant has not been reported in the literature in individuals affected with ETV6-related conditions. This variant is not present in population databases (gnomAD no frequency). This sequence change replaces arginine, which is basic and polar, with methionine, which is neutral and non-polar, at codon 163 of the ETV6 protein (p.Arg163Met). In summary, the available evidence is currently insufficient to determine the role of this variant in disease. Therefore, it has been classified as a Variant of Uncertain Significance. Advanced modeling of protein sequence and biophysical properties (such as structural, functional, and spatial information, amino acid conservation, physicochemical variation, residue mobility, and thermodynamic stability) performed at Invitae indicates that this missense variant is not expected to disrupt ETV6 protein function.